The following is an entry in ClinVar:

ClinVar aggregate classification (germline): Pathogenic (1 of 4 stars; one submission).

Conditions:
Cohen syndrome (COH1). Also called: PEPPER SYNDROME; Cutis verticis gyrata, retinitis pigmentosa, and sensorineural deafness. Identifiers: Orphanet 193, MedGen C0265223, MONDO:0008999, OMIM 216550.

Submission:

Labcorp Genetics (formerly Invitae), Labcorp
Classification: Pathogenic for Cohen syndrome. Last evaluated: 2020-12-29. Review status: criteria provided, single submitter. Criteria: Invitae Variant Classification Sherloc (09022015). Collection method: clinical testing. Allele origin: germline.
Comment: This sequence change creates a premature translational stop signal (p.Gln2872Phefs*10) in the VPS13B gene. It is expected to result in an absent or disrupted protein product. Loss-of-function variants in VPS13B are known to be pathogenic (PMID: 15141358, 16648375, 20461111). This variant is not present in population databases (ExAC no frequency). This variant has not been reported in the literature in individuals with VPS13B-related conditions. For these reasons, this variant has been classified as Pathogenic.

Literature cited by the submitters: PubMed 15141358; PubMed 16648375; PubMed 20461111.

NM_152564.5(VPS13B):c.8505_8538dup (p.Gln2847delinsPheGlyGluLysGluSerGlyIleGluTer)

Gene: VPS13B (vacuolar protein sorting 13 homolog B; plus strand). Cytogenetic location: 8q22.2.
Variant type: Duplication.
Coding change: c.8505_8538dup on transcript NM_152564.5 (MANE Select); coding-DNA positions 8505 to 8538, 34 bases duplicated.
Protein change: p.Gln2847delinsPheGlyGluLysGluSerGlyIleGluTer.
Molecular consequence: nonsense.
Genome position (GRCh38, 1-based): chr8:99,818,772-99,818,805, 34 bases duplicated; duplicating any 34 consecutive bases within chr8:99,818,769-99,818,805 gives the same sequence; the c. name uses the placement nearest the transcript's 3' end. GRCh37 (hg19): chr8:100,831,000-100,831,033.
Other names: c.8580_8613dup, p.Gln2872delinsPheGlyGluLysGluSerGlyIleGluTer (NM_017890.5).
Identifiers: ClinVar variation 1455417 (VCV001455417.6), dbSNP rs2130813950, ClinGen allele CA2573143487.
Genomic context (GRCh38, chr8:99,818,768, plus strand): 5'-TATAGATTGTGTTCAGCCCTCTTTTTATCATGAGGAGTCATCTTCCAGACCCCATTATCA[T>TACATTTGGAGAAAAGGAGTCTGGGATTGAGTGAA]ACATTTGGAGAAAAGGAGTCTGGGATTGAGTGAAACACAAATTATTCCAGGAAAAGGGCA-3'